The following is an entry in ClinVar:

NM_000489.6(ATRX):c.1012T>C (p.Ser338Pro)

Gene: ATRX (ATRX chromatin remodeler; minus strand). Cytogenetic location: Xq21.1.
Variant type: single nucleotide variant.
Coding change: c.1012T>C on transcript NM_000489.6 (MANE Select); coding-DNA position 1012, T replaced by C.
Protein change: p.Ser338Pro; replaces serine 338 with proline.
Molecular consequence: missense variant.
Genome position (GRCh38, 1-based): chrX:77,684,244, A>G on the plus strand (T>C on the coding strand, the complement: ATRX is on the minus strand). VCF-style: chrX-77684244-A-G. GRCh37 (hg19) VCF-style: chrX-76939736-A-G.
Other names: c.898T>C, p.Ser300Pro (NM_138270.5); short protein forms S300P, S338P.
Identifiers: ClinVar variation 4796742 (VCV004796742.1).

ClinVar aggregate classification (germline): Likely benign (1 of 4 stars; one submission).

Conditions:
Intellectual disability-hypotonic facies syndrome, X-linked, 1 (MRXHF1). Also called: Smith Fineman Myers syndrome 1; XLMR-HYPOTONIC FACIES SYNDROME; X-linked intellectual disability-hypotonic face syndrome; CHUDLEY-LOWRY SYNDROME; Chudley syndrome 1; Chudley-Lowry-Hoar syndrome. Identifiers: Orphanet 73220, Orphanet 93970, Orphanet 93971, Orphanet 93972, Orphanet 93973, Orphanet 93974, Orphanet 93975, MedGen C4759781, MONDO:0010663, OMIM 309580.

Submission:

Centre for Medical Genetics,  Mumbai
Classification: Likely benign for Intellectual disability-hypotonic facies syndrome, X-linked, 1. Last evaluated: 2026-02-21. Review status: criteria provided, single submitter. Criteria: ACMG Guidelines, 2015. Collection method: provider interpretation. Allele origin: germline. Inheritance: X-linked recessive inheritance. Affected: no. Observed: 1 homozygote.
Comment: The variant satisfies PM2 criteria; Extremely low frequency in gnomAD population databases. The variant satisfies PP2 criteria; Missense variant in a gene with low rate of benign missense mutations and for which missense mutation is a common mechanism of a disease. However, the variant satisfies BS2 criteria.

Literature cited by the submitters: PubMed 8630485.